The following is an entry in ClinVar:

ClinVar aggregate classification (germline): Uncertain significance (1 of 4 stars; one submission).

Allele frequency attached by ClinVar (database versions not stated): gnomAD exomes 0.00002; ExAC 0.00007.
gnomAD v4.1: 30 of 1,614,234 alleles (0.0019%); highest among the groups gnomAD compares: South Asian, 0.031%; 1 homozygote.

Submission:

Labcorp Genetics (formerly Invitae), Labcorp
Classification: Uncertain significance. Last evaluated: 2022-02-19. Review status: criteria provided, single submitter. Criteria: Invitae Variant Classification Sherloc (09022015). Collection method: clinical testing. Allele origin: germline.
Comment: In summary, the available evidence is currently insufficient to determine the role of this variant in disease. Therefore, it has been classified as a Variant of Uncertain Significance. Algorithms developed to predict the effect of missense changes on protein structure and function are either unavailable or do not agree on the potential impact of this missense change (SIFT: "Deleterious"; PolyPhen-2: "Probably Damaging"; Align-GVGD: "Class C0"). This variant has not been reported in the literature in individuals affected with FLAD1-related conditions. This variant is present in population databases (rs777621144, gnomAD 0.03%). This sequence change replaces valine, which is neutral and non-polar, with leucine, which is neutral and non-polar, at codon 151 of the FLAD1 protein (p.Val151Leu).

NM_025207.5(FLAD1):c.451G>C (p.Val151Leu)

Gene: FLAD1 (flavin adenine dinucleotide synthetase 1; plus strand). Cytogenetic location: 1q21.3.
Variant type: single nucleotide variant.
Coding change: c.451G>C on transcript NM_025207.5 (MANE Select); coding-DNA position 451, G replaced by C.
Protein change: p.Val151Leu; replaces valine 151 with leucine.
Molecular consequence: missense variant.
Genome position (GRCh38, 1-based): chr1:154,988,183, G>C. VCF-style: chr1-154988183-G-C. GRCh37 (hg19) VCF-style: chr1-154960659-G-C.
Other names: c.160G>C, p.Val54Leu (NM_001184891.2, NM_201398.3); c.154G>C, p.Val52Leu (NM_001184892.2); short protein forms V54L, V52L, V151L.
Identifiers: ClinVar variation 2082796 (VCV002082796.4), dbSNP rs777621144, ClinGen allele CA1134334.
Genomic context (GRCh38, chr1:154,988,183, plus strand): 5'-AACACCTTCTTTCTGTGCCGGACACTGCGCTCCCTAGGGGTCCAGGTTTGCCGAGTCTCA[G>C]TTGTACCTGATGAGGTAGCCACCATTGCAGCTGAGGTCACTTCTTTCTCCAACCGCTTCA-3'
Protein context (NP_079483.3, residues 141-161): SLGVQVCRVS[Val151Leu]VPDEVATIAA